The following is an entry in ClinVar:

NM_001379081.2(FREM1):c.6428A>C (p.Gln2143Pro)

Gene: FREM1 (FRAS1 related extracellular matrix 1; minus strand). Cytogenetic location: 9p22.3.
Variant type: single nucleotide variant.
Coding change: c.6428A>C on transcript NM_001379081.2 (MANE Select); coding-DNA position 6428, A replaced by C.
Protein change: p.Gln2143Pro; replaces glutamine 2143 with proline.
Molecular consequence: missense variant. On other transcripts: 3 prime UTR variant (1), non-coding transcript variant (3).
Genome position (GRCh38, 1-based): chr9:14,737,508, T>G on the plus strand (A>C on the coding strand, the complement: FREM1 is on the minus strand). VCF-style: chr9-14737508-T-G. GRCh37 (hg19) VCF-style: chr9-14737506-T-G.
Other names: c.2036A>C, p.Gln679Pro (NM_001177704.3, NM_001370061.2); c.*39A>C (NM_001370058.2); c.6428A>C, p.Gln2143Pro (NM_144966.7); short protein forms Q2143P, Q679P.
Identifiers: ClinVar variation 262545 (VCV000262545.22), dbSNP rs10961689, ClinGen allele CA4989390.
Genomic context (GRCh38, chr9:14,737,508, plus strand): 5'-TTTGTTTGCCATTTCCCTTGTCTTTGAACCAAAACACAGCTCTTTCCAAGCTTGGAGCGT[T>G]GAGAGGGCCCTCTTCTCCCATTGGTGAAGGCAACAGGTTCACCACCGATCCACTCCCAGT-3'
Protein context (NP_001366010.1, residues 2133-2153): AFTNGRRGPS[Gln2143Pro]RSKLGKSCVL

ClinVar aggregate classification (germline): Benign. Review status: criteria provided, multiple submitters, no conflicts (2 of 4 stars). 11 submissions from 11 submitters: Benign (9). 2 of the submissions do not count toward it. Last evaluated 2026-02-04.

Conditions:
Oculotrichoanal syndrome (MOTA). Also called: MARLES SYNDROME; Manitoba Oculotrichoanal (MOTA) Syndrome. Identifiers: Orphanet 2717, MedGen C1855425, MONDO:0009560, OMIM 248450.

Allele frequency attached by ClinVar (database versions not stated): 1000 Genomes Project 0.73502; ExAC 0.73854; 1000 Genomes Project 30x 0.74032; gnomAD 0.74114; ESP Exome Variant Server 0.75257; TOPMed 0.75611.
gnomAD v4.1: 1,178,115 of 1,612,218 alleles (73%); highest among the groups gnomAD compares: Middle Eastern, 80%; 431,661 homozygotes.

Submissions (11):

Labcorp Genetics (formerly Invitae), Labcorp
Classification: Benign. Last evaluated: 2026-02-04. Review status: criteria provided, single submitter. Criteria: Invitae Variant Classification Sherloc (09022015). Collection method: clinical testing. Allele origin: germline.

Blueprint Genetics
Classification: Benign. Last evaluated: 2024-11-27. Review status: criteria provided, single submitter. Criteria: ACMG Guidelines, 2015. Collection method: clinical testing. Allele origin: germline.

Mayo Clinic Laboratories, Mayo Clinic
Classification: Benign. Last evaluated: 2022-03-09. Review status: criteria provided, single submitter. Criteria: ACMG Guidelines, 2015. Collection method: clinical testing. Allele origin: germline. Observed: 69 variant alleles.

Genome-Nilou Lab
Classification: Benign for Oculotrichoanal syndrome. Last evaluated: 2021-08-10. Review status: criteria provided, single submitter. Criteria: ACMG Guidelines, 2015. Collection method: clinical testing. Allele origin: germline. Affected: no.

GeneDx
Classification: Benign. Last evaluated: 2021-05-04. Review status: criteria provided, single submitter. Criteria: GeneDx Variant Classification Process June 2021. Collection method: clinical testing. Allele origin: germline. Affected: yes.

Mendelics
Classification: Benign for Oculotrichoanal syndrome. Last evaluated: 2019-05-28. Review status: criteria provided, single submitter. Criteria: Mendelics Assertion Criteria 2017. Collection method: clinical testing. Allele origin: unknown.

Illumina Laboratory Services, Illumina
Classification: Benign for Oculotrichoanal syndrome. Last evaluated: 2018-01-13. Review status: criteria provided, single submitter. Criteria: ICSL Variant Classification Criteria 13 December 2019. Collection method: clinical testing. Allele origin: germline.
Comment: This variant was observed in the ICSL laboratory as part of a predisposition screen in an ostensibly healthy population. It had not been previously curated by ICSL or reported in the Human Gene Mutation Database (HGMD: prior to June 1st, 2018), and was therefore a candidate for classification through an automated scoring system. Utilizing variant allele frequency, disease prevalence and penetrance estimates, and inheritance mode, an automated score was calculated to assess if this variant is too frequent to cause the disease. Based on the score and internal cut-off values, a variant classified as benign is not then subjected to further curation. The score for this variant resulted in a classification of benign for this disease.

Breakthrough Genomics
Classification: Benign. Review status: criteria provided, single submitter. Criteria: ACMG Guidelines, 2015. Collection method: not provided. Allele origin: germline. Inheritance: Autosomal recessive inheritance. Affected: yes.

PreventionGenetics, part of Exact Sciences
Classification: Benign. Review status: criteria provided, single submitter. Criteria: ACMG Guidelines, 2015. Collection method: clinical testing. Allele origin: germline.

Diagnostic Laboratory, Department of Genetics, University Medical Center Groningen
Classification: Benign. Review status: no assertion criteria provided. Collection method: clinical testing. Allele origin: germline. Affected: yes. Study: VKGL Data-share Consensus. Not counted in ClinVar's aggregate classification.

Genome Diagnostics Laboratory, University Medical Center Utrecht
Classification: Benign. Review status: no assertion criteria provided. Collection method: clinical testing. Allele origin: germline. Affected: yes. Study: VKGL Data-share Consensus. Not counted in ClinVar's aggregate classification.